The following is an entry in ClinVar:

ClinVar aggregate classification (germline): Uncertain significance (1 of 4 stars; one submission).

Allele frequency attached by ClinVar (database versions not stated): ExAC 0.00001.
gnomAD v4.1: 1 of 1,607,736 alleles (0.000062%); highest among the groups gnomAD compares: Non-Finnish European, 0.000085%; no homozygotes.

Submission:

Ambry Genetics
Classification: Uncertain significance. Last evaluated: 2021-08-08. Review status: criteria provided, single submitter. Criteria: Ambry Variant Classification Scheme 2023. Collection method: clinical testing. Allele origin: germline.
Comment: The p.R183P variant (also known as c.548G>C), located in coding exon 4 of the BUB3 gene, results from a G to C substitution at nucleotide position 548. The arginine at codon 183 is replaced by proline, an amino acid with dissimilar properties. This amino acid position is conserved. In addition, this alteration is predicted to be deleterious by in silico analysis. Since supporting evidence is limited at this time, the clinical significance of this alteration remains unclear.

NM_004725.4(BUB3):c.548G>C (p.Arg183Pro)

Gene: BUB3 (BUB3 mitotic checkpoint protein; plus strand). Cytogenetic location: 10q26.13.
Variant type: single nucleotide variant.
Coding change: c.548G>C on transcript NM_004725.4 (MANE Select); coding-DNA position 548, G replaced by C.
Protein change: p.Arg183Pro; replaces arginine 183 with proline.
Molecular consequence: missense variant.
Genome position (GRCh38, 1-based): chr10:123,160,537, G>C. VCF-style: chr10-123160537-G-C. GRCh37 (hg19) VCF-style: chr10-124920053-G-C.
Other names: c.548G>C, p.Arg183Pro (NM_001007793.3); short protein forms R183P.
Identifiers: ClinVar variation 1747844 (VCV001747844.2), dbSNP rs753417733, ClinGen allele CA5731611.